The following is an entry in ClinVar:

NM_000528.4(MAN2B1):c.2647dup (p.Ala883fs)

Gene: MAN2B1 (mannosidase alpha class 2B member 1; minus strand). Cytogenetic location: 19p13.13.
Variant type: Duplication.
Coding change: c.2647dup on transcript NM_000528.4 (MANE Select); coding-DNA position 2647, one base duplicated (G; older notation c.2647dupG).
Protein change: p.Ala883fs; shifts the reading frame from alanine 883.
Molecular consequence: frameshift variant.
Genome position (GRCh38, 1-based): chr19:12,648,192, C duplicated on the plus strand (G on the coding strand, the reverse complement: MAN2B1 is on the minus strand); the first of 4 consecutive C bases (chr19:12,648,192-12,648,195); duplicating any one gives the same sequence. VCF-style (leftmost placement, unchanged base first): chr19-12648191-G-GC. GRCh37 (hg19) VCF-style: chr19-12759005-G-GC.
Other names: c.2644dup, p.Ala882fs (NM_001173498.2); c.2650dup, p.Ala884fs (NM_001440570.1); short protein forms A882fs, A883fs, A884fs.
Identifiers: ClinVar variation 5012089 (VCV005012089.1).
Genomic context (GRCh38, chr19:12,648,191, plus strand): 5'-TAGACTTCAATCCGGTCCTCTCTGCCTACCCCGCTGCCCCTCACCTGCGTGCGCGGAGGA[G>GC]CCCCGAGATTGTAGGCGGCGCCGCCACCCGGGGCCAGCACCACCTGAGGGGCCAGGACCT-3'

ClinVar aggregate classification (germline): Pathogenic (1 of 4 stars; one submission).

Conditions:
Deficiency of alpha-mannosidase (MANSA). Also called: LYSOSOMAL ALPHA-D-MANNOSIDASE DEFICIENCY; Alpha-Mannosidosis; Mannosidosis, alpha-, types I and II. Identifiers: Orphanet 61, MedGen C0024748, MONDO:0009561, OMIM 248500.

Submission:

Myriad Genetics, Inc.
Classification: Pathogenic for Deficiency of alpha-mannosidase. Last evaluated: 2023-09-27. Review status: criteria provided, single submitter. Criteria: Myriad Autosomal Dominant, Autosomal Recessive and X-Linked Classification Criteria (2023). Collection method: clinical testing. Allele origin: unknown.
Comment: NM_000528.3(MAN2B1):c.2647dupG(A883Gfs*48) is expected to be pathogenic in the context of alpha-mannosidosis. This variant is predicted to lead to an abnormal or absent protein product due to the creation of a premature termination codon in MAN2B1, a gene where loss-of-function variants are known to be pathogenic. Please note: this variant was assessed in the context of healthy population screening.